The following is an entry in ClinVar:

ClinVar aggregate classification (germline): Pathogenic (1 of 4 stars; one submission).

Conditions:
Mucopolysaccharidosis, MPS-II (MPS2). Also called: Hunter Syndrome; IDURONATE 2-SULFATASE DEFICIENCY; Mucopolysaccharidosis Type II; Mucopolysaccharidosis type 2; Attenuated MPS (subtype; formerly known as mild MPS II); Severe MPS II. Identifiers: Orphanet 580, Orphanet 79388, MedGen C0026705, MONDO:0010674, OMIM 309900.

Submission:

Laboratory of Diagnosis and Therapy of Lysosomal Disorders, University of Padova
Classification: Pathogenic for Mucopolysaccharidosis, MPS-II. Last evaluated: 2024-06-07. Review status: criteria provided, single submitter. Criteria: ACMG Guidelines, 2015. Collection method: literature only. Allele origin: germline. Affected: yes. Observed: 1 variant allele.
Comment: Null variant (PVS1_Strong), Absent from controls (or at low frequency) in gnomAD database (PM2_Moderate), Patient’s phenotype or family history highly specific for the disease (PP4_Strong)

Classification method: ACMG Guidelines [PMID:25741868] with modifications

Literature cited by the submitters: PubMed 7728156.

NM_000202.8(IDS):c.1568_1581dup (p.Asp528fs)

Gene: IDS (iduronate 2-sulfatase; minus strand). Cytogenetic location: Xq28.
Variant type: Duplication.
Coding change: c.1568_1581dup on transcript NM_000202.8 (MANE Select); coding-DNA positions 1568 to 1581, 14 bases duplicated (ATTTTGTGGATTCT).
Protein change: p.Asp528fs; shifts the reading frame from aspartic acid 528.
Molecular consequence: frameshift variant.
Genome position (GRCh38, 1-based): chrX:149,482,818-149,482,831, AGAATCCACAAAAT duplicated on the plus strand (ATTTTGTGGATTCT on the coding strand, the reverse complement: IDS is on the minus strand); duplicating any 14 consecutive bases within chrX:149,482,818-149,482,832 gives the same sequence; the c. name uses the placement nearest the transcript's 3' end. VCF-style (leftmost placement, unchanged base first): chrX-149482817-C-CAGAATCCACAAAAT. GRCh37 (hg19) VCF-style: chrX-148564348-C-CAGAATCCACAAAAT.
Other names: c.1298_1311dup, p.Asp438fs (NM_001166550.4); short protein forms D438fs, D528fs.
Identifiers: ClinVar variation 3256087 (VCV003256087.2).
Genomic context (GRCh38, chrX:149,482,817, plus strand): 5'-ACAACTGGAAAAGATCTCCACCTTGGGAATCATTATACATATTGTGATCCTGCAATGGGT[C>CAGAATCCACAAAAT]AGAATCCACAAAATACAGTTCCCCTGCATGGATGTCAGAAAAGTTAGCTAGAAATTCATC-3'